The following is an entry in ClinVar:

NM_000093.5(COL5A1):c.1183G>T (p.Glu395Ter)

Gene: COL5A1 (collagen type V alpha 1 chain; plus strand). Cytogenetic location: 9q34.3.
Variant type: single nucleotide variant.
Coding change: c.1183G>T on transcript NM_000093.5 (MANE Select); coding-DNA position 1183, G replaced by T.
Protein change: p.Glu395Ter; replaces glutamic acid 395 with a stop codon.
Molecular consequence: nonsense.
Genome position (GRCh38, 1-based): chr9:134,731,514, G>T. VCF-style: chr9-134731514-G-T. GRCh37 (hg19) VCF-style: chr9-137623360-G-T.
Other names: c.1183G>T, p.Glu395Ter (NM_001278074.1); short protein forms E395*.
Identifiers: ClinVar variation 489371 (VCV000489371.3), dbSNP rs1554788339, ClinGen allele CA375450603.

ClinVar aggregate classification (germline): Pathogenic/Likely pathogenic. Review status: criteria provided, multiple submitters, no conflicts (2 of 4 stars). 2 submissions from 2 submitters: Pathogenic (1); Likely pathogenic (1). Last evaluated 2025-10-05.

Conditions:
Ehlers-Danlos syndrome, classic type, 1 (EDSCL1). Also called: EHLERS-DANLOS SYNDROME, GRAVIS TYPE; EHLERS-DANLOS SYNDROME, SEVERE CLASSIC TYPE; EDS I; Ehlers-Danlos Syndrome, Classic Type, COL5A1-Related; Ehlers-Danlos syndrome, type 1. Identifiers: MedGen C0268335, MONDO:0019567, OMIM 130000.

Submissions (2):

Clinical Biomedical Laboratory, Shriners Hospital For Children - Canada
Classification: Likely pathogenic for Ehlers-Danlos syndrome, classic type, 1. Last evaluated: 2025-10-05. Review status: criteria provided, single submitter. Criteria: ACMG Guidelines, 2015. Collection method: clinical testing. Allele origin: germline. Affected: yes.
Comment: This variant is predicted to introduce a premature termination codon. and lead to loss of function through nonsense-mediated mRNA decay. Loss of function variants in COL5A1 are a known cause of Ehlers-Danlos syndrome classic 1. This variant is absent from the Genome Aggregation Database v.2.1.1, indicating it is rare.

GeneDx
Classification: Pathogenic. Last evaluated: 2018-01-23. Review status: criteria provided, single submitter. Criteria: GeneDx Variant Classification (06012015). Collection method: clinical testing. Allele origin: germline. Affected: yes.
Comment: The E395X variant in the COL5A1 gene has not been reported previously as a pathogenic variant nor as a benign variant, to our knowledge. This variant is predicted to cause loss of normal protein function either through protein truncation or nonsense-mediated mRNA decay. The E395X variant is not observed in large population cohorts (Lek et al., 2016). We interpret E395X as a pathogenic variant.